The following is an entry in ClinVar:

NM_020964.3(EPG5):c.2595G>T (p.Trp865Cys)

Gene: EPG5 (ectopic P-granules 5 autophagy tethering factor; minus strand). Cytogenetic location: 18q21.1.
Variant type: single nucleotide variant.
Coding change: c.2595G>T on transcript NM_020964.3 (MANE Select); coding-DNA position 2595, G replaced by T.
Protein change: p.Trp865Cys; replaces tryptophan 865 with cysteine.
Molecular consequence: missense variant.
Genome position (GRCh38, 1-based): chr18:45,925,861, C>A on the plus strand (G>T on the coding strand, the complement: EPG5 is on the minus strand). VCF-style: chr18-45925861-C-A. GRCh37 (hg19) VCF-style: chr18-43505827-C-A.
Other names: short protein forms W865C.
Identifiers: ClinVar variation 1381739 (VCV001381739.7), dbSNP rs1160786631, ClinGen allele CA402346029.

ClinVar aggregate classification (germline): Uncertain significance (1 of 4 stars; one submission).

Conditions:
Vici syndrome (VICIS). Identifiers: Orphanet 1493, MedGen C1855772, MONDO:0009452, OMIM 242840.

gnomAD v4.1: 2 of 1,554,660 alleles (0.00013%); highest among the groups gnomAD compares: Admixed American, 0.0021%; no homozygotes.

Submission:

Labcorp Genetics (formerly Invitae), Labcorp
Classification: Uncertain significance for Vici syndrome. Last evaluated: 2025-01-13. Review status: criteria provided, single submitter. Criteria: Invitae Variant Classification Sherloc (09022015). Collection method: clinical testing. Allele origin: germline.
Comment: This sequence change replaces tryptophan, which is neutral and slightly polar, with cysteine, which is neutral and slightly polar, at codon 865 of the EPG5 protein (p.Trp865Cys). This variant is not present in population databases (gnomAD no frequency). This variant has not been reported in the literature in individuals affected with EPG5-related conditions. ClinVar contains an entry for this variant (Variation ID: 1381739). Invitae Evidence Modeling of protein sequence and biophysical properties (such as structural, functional, and spatial information, amino acid conservation, physicochemical variation, residue mobility, and thermodynamic stability) indicates that this missense variant is expected to disrupt EPG5 protein function with a positive predictive value of 80%. In summary, the available evidence is currently insufficient to determine the role of this variant in disease. Therefore, it has been classified as a Variant of Uncertain Significance.